The following is an entry in ClinVar:

NM_001382637.1(OTUD7A):c.1295T>C (p.Leu432Pro)

Gene: OTUD7A (OTU deubiquitinase 7A; minus strand). Cytogenetic location: 15q13.3.
Variant type: single nucleotide variant.
Coding change: c.1295T>C on transcript NM_001382637.1 (MANE Select); coding-DNA position 1295, T replaced by C.
Protein change: p.Leu432Pro; replaces leucine 432 with proline.
Molecular consequence: missense variant.
Genome position (GRCh38, 1-based): chr15:31,487,270, A>G on the plus strand (T>C on the coding strand, the complement: OTUD7A is on the minus strand). VCF-style: chr15-31487270-A-G. GRCh37 (hg19) VCF-style: chr15-31779473-A-G.
Other names: c.1274T>C, p.Leu425Pro (NM_130901.3); short protein forms L425P, L432P.
Identifiers: ClinVar variation 5005385 (VCV005005385.2).

ClinVar aggregate classification (germline): Uncertain significance (1 of 4 stars; one submission).

Conditions:
Neurodevelopmental disorder with hypotonia and seizures. Identifiers: MedGen C5935609, MONDO:0968979, OMIM 620790.

Submission:

Juno Genomics, Hangzhou Juno Genomics, Inc
Classification: Uncertain significance for Neurodevelopmental disorder with hypotonia and seizures. Review status: criteria provided, single submitter. Criteria: ACMG Guidelines, 2015. Collection method: clinical testing. Allele origin: germline.
Comment: Absent from controls (or at extremely low frequency if recessive) in Genome Aggregation Database.;Multiple lines of computational evidence support a deleterious effect on the gene or gene product.